The following is an entry in ClinVar:

ClinVar aggregate classification (germline): Uncertain significance (1 of 4 stars; one submission).

Allele frequency attached by ClinVar (database versions not stated): TOPMed below 0.00001.

Submission:

Labcorp Genetics (formerly Invitae), Labcorp
Classification: Uncertain significance. Last evaluated: 2023-09-30. Review status: criteria provided, single submitter. Criteria: Invitae Variant Classification Sherloc (09022015). Collection method: clinical testing. Allele origin: germline.
Comment: This sequence change replaces valine, which is neutral and non-polar, with isoleucine, which is neutral and non-polar, at codon 2338 of the KMT2A protein (p.Val2338Ile). This variant is not present in population databases (gnomAD no frequency). This variant has not been reported in the literature in individuals affected with KMT2A-related conditions. ClinVar contains an entry for this variant (Variation ID: 1948760). Advanced modeling of protein sequence and biophysical properties (such as structural, functional, and spatial information, amino acid conservation, physicochemical variation, residue mobility, and thermodynamic stability) performed at Invitae indicates that this missense variant is not expected to disrupt KMT2A protein function. In summary, the available evidence is currently insufficient to determine the role of this variant in disease. Therefore, it has been classified as a Variant of Uncertain Significance.

NM_001197104.2(KMT2A):c.7012G>A (p.Val2338Ile)

Gene: KMT2A (lysine methyltransferase 2A; plus strand). Cytogenetic location: 11q23.3.
Variant type: single nucleotide variant.
Coding change: c.7012G>A on transcript NM_001197104.2 (MANE Select); coding-DNA position 7012, G replaced by A.
Protein change: p.Val2338Ile; replaces valine 2338 with isoleucine.
Molecular consequence: missense variant.
Genome position (GRCh38, 1-based): chr11:118,502,904, G>A. VCF-style: chr11-118502904-G-A. GRCh37 (hg19) VCF-style: chr11-118373619-G-A.
Other names: c.7102G>A, p.Val2368Ile (NM_001412597.1); c.7003G>A, p.Val2335Ile (NM_005933.4); short protein forms V2335I, V2368I, V2338I.
Identifiers: ClinVar variation 1948760 (VCV001948760.5), dbSNP rs1555046303, ClinGen allele CA382803973.
Genomic context (GRCh38, chr11:118,502,904, plus strand): 5'-AGCTCAGAGGGATCTGCACATAATGTGGCTTACCCTGGAATTCCTAAACTGGCCCCACAG[G>A]TTCATAACACAACATCTAGAGAACTGAATGTTAGTAAAATCGGCTCCTTTGCTGAACCCT-3'
Protein context (NP_001184033.1, residues 2328-2348): YPGIPKLAPQ[Val2338Ile]HNTTSRELNV